The following is an entry in ClinVar:

ClinVar aggregate classification (germline): Uncertain significance (1 of 4 stars; one submission).

Submission:

Quest Diagnostics Nichols Institute San Juan Capistrano
Classification: Uncertain significance. Last evaluated: 2025-10-22. Review status: criteria provided, single submitter. Criteria: Quest Diagnostics criteria. Collection method: clinical testing. Allele origin: unknown.
Comment: The RAD50 c.230A>T (p.Asp77Val) variant has not been reported in individuals with RAD50-related conditions in the published literature. This variant also has not been reported in large, multi-ethnic general populations (Genome Aggregation Database). Analysis of this variant using bioinformatics tools for the prediction of the effect of amino acid changes on protein structure and function yielded conflicting predictions that this variant is benign or damaging. Based on the available information, we are unable to determine the clinical significance of this variant.

NM_005732.4(RAD50):c.230A>T (p.Asp77Val)

Gene: RAD50 (RAD50 double strand break repair protein; plus strand). Cytogenetic location: 5q31.1.
Variant type: single nucleotide variant.
Coding change: c.230A>T on transcript NM_005732.4 (MANE Select); coding-DNA position 230, A replaced by T.
Protein change: p.Asp77Val; replaces aspartic acid 77 with valine.
Molecular consequence: missense variant.
Genome position (GRCh38, 1-based): chr5:132,575,793, A>T. VCF-style: chr5-132575793-A-T. GRCh37 (hg19) VCF-style: chr5-131911485-A-T.
Other names: short protein forms D77V.
Identifiers: ClinVar variation 4533093 (VCV004533093.1).